The following is an entry in ClinVar:

NM_020774.4(MIB1):c.2239dup (p.Ala747fs)

Gene: MIB1 (MIB E3 ubiquitin protein ligase 1; plus strand). Cytogenetic location: 18q11.2.
Variant type: Duplication.
Coding change: c.2239dup on transcript NM_020774.4 (MANE Select); coding-DNA position 2239, one base duplicated (G; older notation c.2239dupG).
Protein change: p.Ala747fs; shifts the reading frame from alanine 747.
Molecular consequence: frameshift variant.
Genome position (GRCh38, 1-based): chr18:21,846,971, G duplicated; the last of 5 consecutive G bases (chr18:21,846,967-21,846,971); duplicating any one gives the same sequence. VCF-style (leftmost placement, unchanged base first): chr18-21846966-A-AG. GRCh37 (hg19) VCF-style: chr18-19426927-A-AG.
Other names: short protein forms A747fs.
Identifiers: ClinVar variation 4850732 (VCV004850732.1).

ClinVar aggregate classification (germline): Likely pathogenic (1 of 4 stars; one submission).

Conditions:
Left ventricular noncompaction 7 (LVNC7). Identifiers: Orphanet 54260, MedGen C3554496, MONDO:0014042, OMIM 615092.

Submission:

Variantyx, Inc.
Classification: Likely pathogenic for Left ventricular noncompaction 7. Last evaluated: 2025-08-02. Review status: criteria provided, single submitter. Criteria: Variantyx Assertion Criteria 2022. Collection method: clinical testing. Allele origin: germline. Inheritance: Autosomal dominant inheritance. Affected: yes.
Comment: This is a frameshift variant in the MIB1 gene (OMIM: 608677). Pathogenic variants in this gene have been associated with autosomal dominant left ventricular noncompaction 7. This variant introduces a premature termination codon in exon 16 out of 20 and is expected to result in loss of function, which is a known disease mechanism for MIB1 in this disorder (PMID: 23314057, 34564127) (PVS1). This variant is absent from control populations (PM2). Based on the current evidence, this variant is classified as likely pathogenic for autosomal dominant left ventricular noncompaction 7.

Literature cited by the submitters: PubMed 23314057; PubMed 34564127.